The following is an entry in ClinVar:

ClinVar aggregate classification (germline): Likely pathogenic. Review status: criteria provided, multiple submitters, no conflicts (2 of 4 stars). 2 submissions from 2 submitters: Likely pathogenic (2). Last evaluated 2026-01-05.

Conditions:
Juvenile retinoschisis (RS1). Also called: X-linked retinoschisis; X-Linked Juvenile Retinoschisis. Identifiers: Orphanet 792, MedGen C3714753, MONDO:0010725, OMIM 312700.
RS1-related disorder. Also called: RS1-related condition.

Submissions (2):

Institute of Human Genetics, University of Leipzig Medical Center
Classification: Likely pathogenic for Juvenile retinoschisis. Last evaluated: 2026-01-05. Review status: criteria provided, single submitter. Criteria: ACMG Guidelines, 2015. Collection method: clinical testing. Allele origin: maternal. Inheritance: X-linked recessive inheritance. Affected: yes.
Comment: Criteria applied: PM5,PP3_MOD,PM2_SUP,PP4

Blueprint Genetics
Classification: Likely pathogenic for RS1-related disorders. Last evaluated: 2021-08-30. Review status: criteria provided, single submitter. Criteria: ACMG Guidelines, 2015. Collection method: clinical testing. Allele origin: germline. Affected: yes. Observed: 1 variant allele.

NM_000330.4(RS1):c.537C>G (p.Asn179Lys)

Genes: CDKL5 (cyclin dependent kinase like 5; plus strand), RS1 (retinoschisin 1; minus strand). Cytogenetic location: Xp22.13.
Variant type: single nucleotide variant.
Coding change: c.537C>G on transcript NM_000330.4 (MANE Select); coding-DNA position 537, C replaced by G.
Protein change: p.Asn179Lys; replaces asparagine 179 with lysine.
Molecular consequence: missense variant. On other transcripts: intron variant (2).
Genome position (GRCh38, 1-based): chrX:18,642,142, G>C on the plus strand (C>G on the coding strand, the complement: RS1 is on the minus strand). VCF-style: chrX-18642142-G-C. GRCh37 (hg19) VCF-style: chrX-18660262-G-C.
Other names: c.2714-3865G>C (NM_003159.3, NM_001037343.2); short protein forms N179K.
Identifiers: ClinVar variation 4683102 (VCV004683102.2).